The following is an entry in ClinVar:

ClinVar aggregate classification (germline): Uncertain significance (1 of 4 stars; one submission).

gnomAD v4.1: 35 of 1,612,276 alleles (0.0022%); highest among the groups gnomAD compares: Admixed American, 0.0017%; no homozygotes.

Submission:

Labcorp Genetics (formerly Invitae), Labcorp
Classification: Uncertain significance. Last evaluated: 2025-09-05. Review status: criteria provided, single submitter. Criteria: Invitae Variant Classification Sherloc (09022015). Collection method: clinical testing. Allele origin: germline.
Comment: This sequence change replaces isoleucine, which is neutral and non-polar, with valine, which is neutral and non-polar, at codon 419 of the MTTP protein (p.Ile419Val). This variant is present in population databases (rs749908900, gnomAD 0.07%). This variant has not been reported in the literature in individuals affected with MTTP-related conditions. Invitae Evidence Modeling of protein sequence and biophysical properties (such as structural, functional, and spatial information, amino acid conservation, physicochemical variation, residue mobility, and thermodynamic stability) indicates that this missense variant is not expected to disrupt MTTP protein function with a negative predictive value of 80%. In summary, the available evidence is currently insufficient to determine the role of this variant in disease. Therefore, it has been classified as a Variant of Uncertain Significance.

NM_001386140.1(MTTP):c.1255A>G (p.Ile419Val)

Gene: MTTP (microsomal triglyceride transfer protein; plus strand). Cytogenetic location: 4q23.
Variant type: single nucleotide variant.
Coding change: c.1255A>G on transcript NM_001386140.1 (MANE Select); coding-DNA position 1255, A replaced by G.
Protein change: p.Ile419Val; replaces isoleucine 419 with valine.
Molecular consequence: missense variant.
Genome position (GRCh38, 1-based): chr4:99,601,625, A>G. VCF-style: chr4-99601625-A-G. GRCh37 (hg19) VCF-style: chr4-100522782-A-G.
Other names: c.1255A>G, p.Ile419Val (NM_000253.4); c.1006A>G, p.Ile336Val (NM_001300785.2); short protein forms I336V, I419V.
Identifiers: ClinVar variation 4690730 (VCV004690730.1).